The following is an entry in ClinVar:

ClinVar aggregate classification (germline): Uncertain significance. Review status: criteria provided, multiple submitters, no conflicts (2 of 4 stars). 3 submissions from 3 submitters: Uncertain significance (3). Last evaluated 2026-08-27.

Conditions:
Bardet-Biedl syndrome (BBS). Identifiers: Orphanet 110, MedGen C0752166, MONDO:0015229.
BBS7-related disorder. Also called: BBS7-related condition.
Bardet-Biedl syndrome 7 (BBS7). Identifiers: Orphanet 110, MedGen C1859565, MONDO:0014435, OMIM 615984.

Allele frequency attached by ClinVar (database versions not stated): gnomAD 0.00001 and 0.00002; gnomAD exomes 0.00001; ExAC 0.00002; TOPMed 0.00002.
gnomAD v4.1: 17 of 1,613,734 alleles (0.0011%); highest among the groups gnomAD compares: Non-Finnish European, 0.0014%; no homozygotes.

Submissions (3):

PreventionGenetics, part of Exact Sciences
Classification: Uncertain significance for BBS7-related condition. Last evaluated: 2026-08-27. Review status: criteria provided, single submitter. Criteria: ACMG Guidelines, 2015. Collection method: clinical testing. Allele origin: germline.
Comment: The BBS7 c.2012A>G variant is predicted to result in the amino acid substitution p.Tyr671Cys. To our knowledge, this variant has not been reported in the literature. This variant is reported in 0.0026% of alleles in individuals of European (Non-Finnish) descent in gnomAD. At this time, the clinical significance of this variant is uncertain due to the absence of conclusive functional and genetic evidence.

Fulgent Genetics
Classification: Uncertain significance for Bardet-Biedl syndrome 7. Last evaluated: 2024-06-17. Review status: criteria provided, single submitter. Criteria: ACMG Guidelines, 2015. Collection method: clinical testing. Allele origin: germline.

Labcorp Genetics (formerly Invitae), Labcorp
Classification: Uncertain significance for Bardet-Biedl syndrome. Last evaluated: 2022-10-04. Review status: criteria provided, single submitter. Criteria: Invitae Variant Classification Sherloc (09022015). Collection method: clinical testing. Allele origin: germline.
Comment: This sequence change replaces tyrosine, which is neutral and polar, with cysteine, which is neutral and slightly polar, at codon 671 of the BBS7 protein (p.Tyr671Cys). This variant is present in population databases (no rsID available, gnomAD 0.003%). This variant has not been reported in the literature in individuals affected with BBS7-related conditions. ClinVar contains an entry for this variant (Variation ID: 1001617). Algorithms developed to predict the effect of missense changes on protein structure and function (SIFT, PolyPhen-2, Align-GVGD) all suggest that this variant is likely to be disruptive. Algorithms developed to predict the effect of sequence changes on RNA splicing suggest that this variant may create or strengthen a splice site. In summary, the available evidence is currently insufficient to determine the role of this variant in disease. Therefore, it has been classified as a Variant of Uncertain Significance.

NM_176824.3(BBS7):c.2012A>G (p.Tyr671Cys)

Gene: BBS7 (Bardet-Biedl syndrome 7; minus strand). Cytogenetic location: 4q27.
Variant type: single nucleotide variant.
Coding change: c.2012A>G on transcript NM_176824.3 (MANE Select); coding-DNA position 2012, A replaced by G.
Protein change: p.Tyr671Cys; replaces tyrosine 671 with cysteine.
Molecular consequence: missense variant.
Genome position (GRCh38, 1-based): chr4:121,828,148, T>C on the plus strand (A>G on the coding strand, the complement: BBS7 is on the minus strand). VCF-style: chr4-121828148-T-C. GRCh37 (hg19) VCF-style: chr4-122749303-T-C.
Other names: c.2012A>G, p.Tyr671Cys (NM_018190.4); c.2012A>G (NM_176824.2); short protein forms Y671C.
Identifiers: ClinVar variation 1001617 (VCV001001617.5), dbSNP rs1013002037, ClinGen allele CA3064075.
Genomic context (GRCh38, chr4:121,828,148, plus strand): 5'-TTGGGAAATAGCCAGTTGAAAAGAAATATGGCAAGGTATTCTAGAATGGTCCACTAACCA[T>C]AGAGTCTTTCAAGATGTGCAGGTTGCTTTTTGTATTCTTCCTGTAGGTGATCTGCCTCTT-3'
Protein context (NP_789794.1, residues 661-681): KKQPAHLERL[Tyr671Cys]GMITDLFIDK